The following is an entry in ClinVar:

NM_000135.4(FANCA):c.1162A>G (p.Arg388Gly)

Gene: FANCA (FA complementation group A; minus strand). Cytogenetic location: 16q24.3.
Variant type: single nucleotide variant.
Coding change: c.1162A>G on transcript NM_000135.4 (MANE Select); coding-DNA position 1162, A replaced by G.
Protein change: p.Arg388Gly; replaces arginine 388 with glycine.
Molecular consequence: missense variant.
Genome position (GRCh38, 1-based): chr16:89,791,990, T>C on the plus strand (A>G on the coding strand, the complement: FANCA is on the minus strand). VCF-style: chr16-89791990-T-C. GRCh37 (hg19) VCF-style: chr16-89858398-T-C.
Other names: c.1162A>G, p.Arg388Gly (NM_001286167.3); short protein forms R388G.
Identifiers: ClinVar variation 4254198 (VCV004254198.1).

ClinVar aggregate classification (germline): Uncertain significance (1 of 4 stars; one submission).

Conditions:
Inborn genetic diseases. Identifiers: MedGen C0950123, MeSH D030342.

Submission:

Ambry Genetics
Classification: Uncertain significance for Inborn genetic diseases. Last evaluated: 2025-07-13. Review status: criteria provided, single submitter. Criteria: Ambry Variant Classification Scheme 2023. Collection method: clinical testing. Allele origin: germline.
Comment: The p.R388G variant (also known as c.1162A>G), located in coding exon 13 of the FANCA gene, results from an A to G substitution at nucleotide position 1162. The arginine at codon 388 is replaced by glycine, an amino acid with dissimilar properties. This amino acid position is conserved. In addition, this alteration is predicted to be tolerated by in silico analysis. Based on the available evidence, the clinical significance of this variant remains unclear.